The following is an entry in ClinVar:

NM_006073.4(TRDN):c.391G>C (p.Gly131Arg)

Gene: TRDN (triadin; minus strand). Cytogenetic location: 6q22.31.
Variant type: single nucleotide variant.
Coding change: c.391G>C on transcript NM_006073.4 (MANE Select); coding-DNA position 391, G replaced by C.
Protein change: p.Gly131Arg; replaces glycine 131 with arginine.
Molecular consequence: missense variant.
Genome position (GRCh38, 1-based): chr6:123,548,454, C>G on the plus strand (G>C on the coding strand, the complement: TRDN is on the minus strand). VCF-style: chr6-123548454-C-G. GRCh37 (hg19) VCF-style: chr6-123869599-C-G.
Other names: c.391G>C, p.Gly131Arg (NM_001251987.2, NM_001256020.2, NM_001256021.2 and 1 more transcripts); short protein forms G131R.
Identifiers: ClinVar variation 661137 (VCV000661137.7), dbSNP rs1245170587, ClinGen allele CA365568636.
Genomic context (GRCh38, chr6:123,548,454, plus strand): 5'-ACTATAATACATATTTAATGTTGCTCCTAGCAGTTAGATATATCTCTATGTTCTTTGTAC[C>G]TTTATCAGTATCTTCGTCACCATCATCATCTTCTTCATCTTCAGATGAGATGATGTCAGA-3'
Protein context (NP_006064.2, residues 121-141): DDDGDEDTDK[Gly131Arg]EIDEPPLRKK

ClinVar aggregate classification (germline): Uncertain significance (1 of 4 stars; one submission).

Conditions:
Catecholaminergic polymorphic ventricular tachycardia 1. Also called: VENTRICULAR TACHYCARDIA, CATECHOLAMINERGIC POLYMORPHIC, 1, WITH OR WITHOUT ATRIAL DYSFUNCTION AND/OR DILATED CARDIOMYOPATHY; VENTRICULAR TACHYCARDIA, STRESS-INDUCED POLYMORPHIC 1; RYR2-Related Catecholaminergic Polymorphic Ventricular Tachycardia. Identifiers: Orphanet 3286, MedGen C1631597, MONDO:0011484, OMIM 604772.

gnomAD v4.1: 1 of 1,553,296 alleles (0.000064%); highest among the groups gnomAD compares: Non-Finnish European, 0.000087%; no homozygotes.

Submission:

Labcorp Genetics (formerly Invitae), Labcorp
Classification: Uncertain significance for Catecholaminergic polymorphic ventricular tachycardia 1. Last evaluated: 2021-08-28. Review status: criteria provided, single submitter. Criteria: Invitae Variant Classification Sherloc (09022015). Collection method: clinical testing. Allele origin: germline.
Comment: This sequence change replaces glycine with arginine at codon 131 of the TRDN protein (p.Gly131Arg). The glycine residue is moderately conserved and there is a moderate physicochemical difference between glycine and arginine. This variant also falls at the last nucleotide of exon 3, which is part of the consensus splice site for this exon. This variant is not present in population databases (ExAC no frequency). This variant has not been reported in the literature in individuals affected with TRDN-related conditions. Algorithms developed to predict the effect of missense changes on protein structure and function are either unavailable or do not agree on the potential impact of this missense change (SIFT: "Tolerated"; PolyPhen-2: "Not Available"; Align-GVGD: "Class C0"). Variants that disrupt the consensus splice site are a relatively common cause of aberrant splicing (PMID: 17576681, 9536098). Algorithms developed to predict the effect of sequence changes on RNA splicing suggest that this variant may disrupt the consensus splice site. In summary, the available evidence is currently insufficient to determine the role of this variant in disease. Therefore, it has been classified as a Variant of Uncertain Significance.

Literature cited by the submitters: PubMed 17576681; PubMed 9536098.